The following is an entry in ClinVar:

NM_152618.3(BBS12):c.1257C>T (p.Ser419=)

Gene: BBS12 (Bardet-Biedl syndrome 12; plus strand). Cytogenetic location: 4q27.
Variant type: single nucleotide variant.
Coding change: c.1257C>T on transcript NM_152618.3 (MANE Select); coding-DNA position 1257, C replaced by T.
Protein change: p.Ser419=; no amino-acid change (serine 419 retained).
Molecular consequence: synonymous variant.
Genome position (GRCh38, 1-based): chr4:122,743,149, C>T. VCF-style: chr4-122743149-C-T. GRCh37 (hg19) VCF-style: chr4-123664304-C-T.
Other names: c.1257C>T, p.Ser419= (NM_001178007.2).
Identifiers: ClinVar variation 220044 (VCV000220044.19), dbSNP rs34652786, ClinGen allele CA349162.

ClinVar aggregate classification (germline): Conflicting classifications of pathogenicity. Review status: criteria provided, conflicting classifications (1 of 4 stars). 5 submissions from 5 submitters: Uncertain significance (1); Benign (1); Likely benign (1). 2 of the submissions do not count toward it. Last evaluated 2026-01-04.

Conditions:
Bardet-Biedl syndrome 12 (BBS12). Identifiers: Orphanet 110, MedGen C1859570, MONDO:0014440, OMIM 615989.
BBS12-related disorder. Also called: BBS12-related condition.
Bardet-Biedl syndrome (BBS). Identifiers: Orphanet 110, MedGen C0752166, MONDO:0015229.

Allele frequency attached by ClinVar (database versions not stated): gnomAD 0.00022 and 0.00025; TOPMed 0.00022; ExAC 0.00029; gnomAD exomes 0.00036; ESP Exome Variant Server 0.00038.
gnomAD v4.1: 289 of 1,614,056 alleles (0.018%); highest among the groups gnomAD compares: Admixed American, 0.01%; no homozygotes.

Submissions (5):

Labcorp Genetics (formerly Invitae), Labcorp
Classification: Benign for Bardet-Biedl syndrome. Last evaluated: 2026-01-04. Review status: criteria provided, single submitter. Criteria: Invitae Variant Classification Sherloc (09022015). Collection method: clinical testing. Allele origin: germline.

Blueprint Genetics
Classification: Likely benign. Last evaluated: 2024-05-13. Review status: criteria provided, single submitter. Criteria: ACMG Guidelines, 2015. Collection method: clinical testing. Allele origin: germline.

Illumina Laboratory Services, Illumina
Classification: Uncertain significance for Bardet-Biedl syndrome 12. Last evaluated: 2018-01-12. Review status: criteria provided, single submitter. Criteria: ICSL Variant Classification Criteria 13 December 2019. Collection method: clinical testing. Allele origin: germline.

Natera, Inc.
Classification: Likely benign for Bardet-Biedl syndrome type 12. Last evaluated: 2020-01-06. Review status: no assertion criteria provided. Collection method: clinical testing. Allele origin: germline. Not counted in ClinVar's aggregate classification.

PreventionGenetics, part of Exact Sciences
Classification: Likely benign for BBS12-related condition. Last evaluated: 2019-07-23. Review status: no assertion criteria provided. Collection method: clinical testing. Allele origin: germline. Not counted in ClinVar's aggregate classification.
Comment: This variant is classified as likely benign based on ACMG/AMP sequence variant interpretation guidelines (Richards et al. 2015 PMID: 25741868, with internal and published modifications).